The following is an entry in ClinVar:

ClinVar aggregate classification (germline): Uncertain significance. Review status: criteria provided, multiple submitters, no conflicts (2 of 4 stars). 3 submissions from 3 submitters: Uncertain significance (3). Last evaluated 2025-07-14.

Allele frequency attached by ClinVar (database versions not stated): TOPMed 0.00001; gnomAD 0.00002; gnomAD exomes 0.00003; ExAC 0.00004.
gnomAD v4.1: 17 of 1,581,094 alleles (0.0011%); highest among the groups gnomAD compares: East Asian, 0.0023%; no homozygotes.

Submissions (3):

Labcorp Genetics (formerly Invitae), Labcorp
Classification: Uncertain significance. Last evaluated: 2025-07-14. Review status: criteria provided, single submitter. Criteria: Invitae Variant Classification Sherloc (09022015). Collection method: clinical testing. Allele origin: germline.
Comment: This sequence change replaces glutamic acid, which is acidic and polar, with aspartic acid, which is acidic and polar, at codon 3936 of the FAT4 protein (p.Glu3936Asp). This variant is present in population databases (rs763572933, gnomAD 0.006%). This variant has not been reported in the literature in individuals affected with FAT4-related conditions. ClinVar contains an entry for this variant (Variation ID: 1000997). Invitae Evidence Modeling of protein sequence and biophysical properties (such as structural, functional, and spatial information, amino acid conservation, physicochemical variation, residue mobility, and thermodynamic stability) indicates that this missense variant is not expected to disrupt FAT4 protein function with a negative predictive value of 95%. In summary, the available evidence is currently insufficient to determine the role of this variant in disease. Therefore, it has been classified as a Variant of Uncertain Significance.

CeGaT Center for Human Genetics Tuebingen
Classification: Uncertain significance. Last evaluated: 2024-09-01. Review status: criteria provided, single submitter. Criteria: CeGaT Center For Human Genetics Tuebingen Variant Classification Criteria Version 2. Collection method: clinical testing. Allele origin: germline. Affected: yes. Observed: 1 variant allele.
Comment: FAT4: PM2

GeneDx
Classification: Uncertain significance. Last evaluated: 2024-01-12. Review status: criteria provided, single submitter. Criteria: GeneDx Variant Classification Process June 2021. Collection method: clinical testing. Allele origin: germline. Affected: yes.
Comment: Not observed at significant frequency in large population cohorts (gnomAD); In silico analysis supports that this missense variant does not alter protein structure/function; Has not been previously published as pathogenic or benign to our knowledge

NM_001291303.3(FAT4):c.11814A>C (p.Glu3938Asp)

Gene: FAT4 (FAT atypical cadherin 4; plus strand). Cytogenetic location: 4q28.1.
Variant type: single nucleotide variant.
Coding change: c.11814A>C on transcript NM_001291303.3 (MANE Select); coding-DNA position 11814, A replaced by C.
Protein change: p.Glu3938Asp; replaces glutamic acid 3938 with aspartic acid.
Molecular consequence: missense variant.
Genome position (GRCh38, 1-based): chr4:125,463,576, A>C. VCF-style: chr4-125463576-A-C. GRCh37 (hg19) VCF-style: chr4-126384731-A-C.
Other names: c.11808A>C (NM_024582.4); c.11814A>C, p.Glu3938Asp (NM_001291285.3); c.11808A>C, p.Glu3936Asp (NM_024582.6); short protein forms E3936D, E3938D.
Identifiers: ClinVar variation 1000997 (VCV001000997.19), dbSNP rs763572933, ClinGen allele CA3073933.